The following is an entry in ClinVar:

NM_004655.4(AXIN2):c.686A>T (p.Asn229Ile)

Gene: AXIN2 (axin 2; minus strand). Cytogenetic location: 17q24.1.
Variant type: single nucleotide variant.
Coding change: c.686A>T on transcript NM_004655.4 (MANE Select); coding-DNA position 686, A replaced by T.
Protein change: p.Asn229Ile; replaces asparagine 229 with isoleucine.
Molecular consequence: missense variant.
Genome position (GRCh38, 1-based): chr17:65,557,935, T>A on the plus strand (A>T on the coding strand, the complement: AXIN2 is on the minus strand). VCF-style: chr17-65557935-T-A. GRCh37 (hg19) VCF-style: chr17-63554053-T-A.
Other names: c.686A>T, p.Asn229Ile (NM_001363813.1); short protein forms N229I.
Identifiers: ClinVar variation 2717300 (VCV002717300.4), dbSNP rs764704332, ClinGen allele CA400680492.

ClinVar aggregate classification (germline): Uncertain significance. Review status: criteria provided, multiple submitters, no conflicts (2 of 4 stars). 2 submissions from 2 submitters: Uncertain significance (2). Last evaluated 2026-02-24.

Conditions:
Hereditary cancer-predisposing syndrome. Also called: Tumor predisposition; Hereditary Cancer Syndrome; Hereditary neoplastic syndrome; Neoplastic Syndromes, Hereditary. Identifiers: Orphanet 140162, MedGen C0027672, MeSH D009386, MONDO:0015356.
Oligodontia-cancer predisposition syndrome. Also called: TOOTH AGENESIS-COLORECTAL CANCER SYNDROME. Identifiers: Orphanet 300576, MedGen C1837750, MONDO:0012075, OMIM 608615. Disease mechanism: loss of function.

gnomAD v4.1: 2 of 1,614,166 alleles (0.00012%); highest among the groups gnomAD compares: African/African-American, 0.0013%; no homozygotes.

Submissions (2):

Ambry Genetics
Classification: Uncertain significance for Hereditary cancer-predisposing syndrome. Last evaluated: 2026-02-24. Review status: criteria provided, single submitter. Criteria: Ambry Variant Classification Scheme 2023. Collection method: clinical testing. Allele origin: germline.
Comment: The p.N229I variant (also known as c.686A>T), located in coding exon 1 of the AXIN2 gene, results from an A to T substitution at nucleotide position 686. The asparagine at codon 229 is replaced by isoleucine, an amino acid with dissimilar properties. This amino acid position is conserved. In addition, this alteration is predicted to be tolerated by in silico analysis. Based on the available evidence, the clinical significance of this variant remains unclear.

Labcorp Genetics (formerly Invitae), Labcorp
Classification: Uncertain significance for Oligodontia-cancer predisposition syndrome. Last evaluated: 2023-06-16. Review status: criteria provided, single submitter. Criteria: Invitae Variant Classification Sherloc (09022015). Collection method: clinical testing. Allele origin: germline.
Comment: This sequence change replaces asparagine, which is neutral and polar, with isoleucine, which is neutral and non-polar, at codon 229 of the AXIN2 protein (p.Asn229Ile). This variant is present in population databases (no rsID available, gnomAD 0.007%). This variant has not been reported in the literature in individuals affected with AXIN2-related conditions. Advanced modeling of protein sequence and biophysical properties (such as structural, functional, and spatial information, amino acid conservation, physicochemical variation, residue mobility, and thermodynamic stability) performed at Invitae indicates that this missense variant is not expected to disrupt AXIN2 protein function. In summary, the available evidence is currently insufficient to determine the role of this variant in disease. Therefore, it has been classified as a Variant of Uncertain Significance.